The following is an entry in ClinVar:

ClinVar aggregate classification (germline): Likely benign (1 of 4 stars; one submission).

Allele frequency attached by ClinVar (database versions not stated): gnomAD exomes below 0.00001; ExAC 0.00001.
gnomAD v4.1: 6 of 1,607,658 alleles (0.00037%); highest among the groups gnomAD compares: Non-Finnish European, 0.00043%; no homozygotes.

Submission:

CeGaT Center for Human Genetics Tuebingen
Classification: Likely benign. Last evaluated: 2023-01-01. Review status: criteria provided, single submitter. Criteria: CeGaT Center For Human Genetics Tuebingen Variant Classification Criteria Version 2. Collection method: clinical testing. Allele origin: germline. Affected: yes. Observed: 1 variant allele.
Comment: PI4KA: BP4, BP7

NM_058004.4(PI4KA):c.168T>G (p.Leu56=)

Gene: PI4KA (phosphatidylinositol 4-kinase alpha; minus strand). Cytogenetic location: 22q11.21.
Variant type: single nucleotide variant.
Coding change: c.168T>G on transcript NM_058004.4 (MANE Select); coding-DNA position 168, T replaced by G.
Protein change: p.Leu56=; no amino-acid change (leucine 56 retained).
Molecular consequence: synonymous variant.
Genome position (GRCh38, 1-based): chr22:20,838,720, A>C on the plus strand (T>G on the coding strand, the complement: PI4KA is on the minus strand). VCF-style: chr22-20838720-A-C. GRCh37 (hg19) VCF-style: chr22-21193008-A-C.
Other names: c.168T>G, p.Leu56= (NM_001362862.2, NM_001362863.2).
Identifiers: ClinVar variation 2652920 (VCV002652920.24), dbSNP rs781301038, ClinGen allele CA10116904.